The following is an entry in ClinVar:

ClinVar aggregate classification (germline): Benign/Likely benign. Review status: criteria provided, single submitter (1 of 4 stars). 2 submissions from 1 submitter: Benign (1); Likely benign (1). Last evaluated 2018-01-13.

Conditions:
Congenital myopathy with fiber type disproportion. Also called: Congenital fiber-type disproportion myopathy; Congenital fiber-type disproportion. Identifiers: Orphanet 2020, MedGen C0546264, MONDO:0009711. Inheritance: all.
Congenital myopathy 4B, autosomal recessive. Also called: Nemaline myopathy 1, autosomal dominant or recessive. Identifiers: Orphanet 171433, Orphanet 171439, Orphanet 171881, MedGen C5829889, MONDO:0012239, OMIM 609284.

Allele frequency attached by ClinVar (database versions not stated): gnomAD 0.00545 and 0.00572; TOPMed 0.00614; 1000 Genomes Project 0.00799; 1000 Genomes Project 30x 0.00906.
gnomAD v4.1: 820 of 152,122 alleles (0.54%); highest among the groups gnomAD compares: African/African-American, 1.9%; 14 homozygotes.

Submissions (2):

Illumina Laboratory Services, Illumina
Classification: Benign for Congenital myopathy 4A, autosomal dominant. Last evaluated: 2018-01-13. Review status: criteria provided, single submitter. Criteria: ICSL Variant Classification Criteria 13 December 2019. Collection method: clinical testing. Allele origin: germline.
Comment: This variant was observed in the ICSL laboratory as part of a predisposition screen in an ostensibly healthy population. It had not been previously curated by ICSL or reported in the Human Gene Mutation Database (HGMD: prior to June 1st, 2018), and was therefore a candidate for classification through an automated scoring system. Utilizing variant allele frequency, disease prevalence and penetrance estimates, and inheritance mode, an automated score was calculated to assess if this variant is too frequent to cause the disease. Based on the score and internal cut-off values, a variant classified as benign is not then subjected to further curation. The score for this variant resulted in a classification of benign for this disease.

Illumina Laboratory Services, Illumina
Classification: Likely benign for Congenital myopathy 4B, autosomal recessive. Last evaluated: 2018-01-13. Review status: criteria provided, single submitter. Criteria: ICSL Variant Classification Criteria 13 December 2019. Collection method: clinical testing. Allele origin: germline.
Comment: This variant was observed in the ICSL laboratory as part of a predisposition screen in an ostensibly healthy population. It had not been previously curated by ICSL or reported in the Human Gene Mutation Database (HGMD: prior to June 1st, 2018), and was therefore a candidate for classification through an automated scoring system. Utilizing variant allele frequency, disease prevalence and penetrance estimates, and inheritance mode, an automated score was calculated to assess if this variant is too frequent to cause the disease. Based on the score and internal cut-off values, a variant classified as likely benign is not then subjected to further curation. The score for this variant resulted in a classification of likely benign for this disease.

NM_152263.4(TPM3):c.*4154C>T

Gene: TPM3 (tropomyosin 3; minus strand). Cytogenetic location: 1q21.3.
Variant type: single nucleotide variant.
Coding change: c.*4154C>T on transcript NM_152263.4 (MANE Select); 4154 bases downstream of the stop codon, C replaced by T.
Molecular consequence: 3 prime UTR variant. On other transcripts: intron variant (12).
Genome position (GRCh38, 1-based): chr1:154,163,783, G>A on the plus strand (C>T on the coding strand, the complement: TPM3 is on the minus strand). VCF-style: chr1-154163783-G-A. GRCh37 (hg19) VCF-style: chr1-154136259-G-A.
Other names: c.*4154C>T (NM_001364682.1, NM_001364683.1); c.776-6062C>T (NM_001364679.2, NM_001364680.2); c.776-4735C>T (NM_001364681.2); c.467-6062C>T (NM_001278188.2); c.665-6062C>T (NM_001043351.2, NM_153649.4); c.665-4735C>T (NM_001043353.2, NM_001043352.2); c.743+5522C>T (NM_001349679.2, NM_001278189.2); c.602-6062C>T (NM_001278190.2); and 1 more.
Identifiers: ClinVar variation 873910 (VCV000873910.4), dbSNP rs145053113, ClinGen allele CA30763585.